The following is an entry in ClinVar:

NM_002241.5(KCNJ10):c.290T>A (p.Leu97Gln)

Gene: KCNJ10 (potassium inwardly rectifying channel subfamily J member 10; minus strand). Cytogenetic location: 1q23.2.
Variant type: single nucleotide variant.
Coding change: c.290T>A on transcript NM_002241.5 (MANE Select); coding-DNA position 290, T replaced by A.
Protein change: p.Leu97Gln; replaces leucine 97 with glutamine.
Molecular consequence: missense variant.
Genome position (GRCh38, 1-based): chr1:160,042,243, A>T on the plus strand (T>A on the coding strand, the complement: KCNJ10 is on the minus strand). VCF-style: chr1-160042243-A-T. GRCh37 (hg19) VCF-style: chr1-160012033-A-T.
Other names: short protein forms L97Q.
Identifiers: ClinVar variation 537735 (VCV000537735.7), dbSNP rs1401791648, ClinGen allele CA343228923.

ClinVar aggregate classification (germline): Uncertain significance (1 of 4 stars; one submission).

Conditions:
EAST syndrome (SESAMES). Also called: SEIZURES, SENSORINEURAL DEAFNESS, ATAXIA, IMPAIRED INTELLECTUAL DEVELOPMENT, AND ELECTROLYTE IMBALANCE. Identifiers: Orphanet 199343, MedGen C2748572, MONDO:0013005, OMIM 612780.

Allele frequency attached by ClinVar (database versions not stated): gnomAD exomes below 0.00001; gnomAD 0.00001; TOPMed 0.00002.
gnomAD v4.1: 5 of 1,613,966 alleles (0.00031%); highest among the groups gnomAD compares: African/African-American, 0.0067%; no homozygotes.

Submission:

Labcorp Genetics (formerly Invitae), Labcorp
Classification: Uncertain significance for EAST syndrome. Last evaluated: 2025-06-01. Review status: criteria provided, single submitter. Criteria: Invitae Variant Classification Sherloc (09022015). Collection method: clinical testing. Allele origin: germline.
Comment: This sequence change replaces leucine, which is neutral and non-polar, with glutamine, which is neutral and polar, at codon 97 of the KCNJ10 protein (p.Leu97Gln). This variant is present in population databases (no rsID available, gnomAD 0.007%). This variant has not been reported in the literature in individuals affected with KCNJ10-related conditions. ClinVar contains an entry for this variant (Variation ID: 537735). Invitae Evidence Modeling of protein sequence and biophysical properties (such as structural, functional, and spatial information, amino acid conservation, physicochemical variation, residue mobility, and thermodynamic stability) indicates that this missense variant is not expected to disrupt KCNJ10 protein function with a negative predictive value of 95%. In summary, the available evidence is currently insufficient to determine the role of this variant in disease. Therefore, it has been classified as a Variant of Uncertain Significance.